The following is an entry in ClinVar:

ClinVar aggregate classification (germline): Uncertain significance (1 of 4 stars; one submission).

Conditions:
Dyskeratosis congenita, autosomal dominant 2. Identifiers: MedGen C3151443, MONDO:0013521, OMIM 613989.
Idiopathic Pulmonary Fibrosis. Also called: Idiopathic fibrosing alveolitis, chronic form; idiopathic fibrosing alveolitis. Identifiers: Orphanet 2032, MedGen C1800706, MeSH D054990, MONDO:0800504.

Submission:

Labcorp Genetics (formerly Invitae), Labcorp
Classification: Uncertain significance for Dyskeratosis congenita, autosomal dominant 2; Idiopathic Pulmonary Fibrosis. Last evaluated: 2023-03-09. Review status: criteria provided, single submitter. Criteria: Invitae Variant Classification Sherloc (09022015). Collection method: clinical testing. Allele origin: germline.
Comment: In summary, the available evidence is currently insufficient to determine the role of this variant in disease. Therefore, it has been classified as a Variant of Uncertain Significance. Advanced modeling of protein sequence and biophysical properties (such as structural, functional, and spatial information, amino acid conservation, physicochemical variation, residue mobility, and thermodynamic stability) performed at Invitae indicates that this missense variant is not expected to disrupt TERT protein function. This variant has not been reported in the literature in individuals affected with TERT-related conditions. This variant is not present in population databases (gnomAD no frequency). This sequence change replaces valine, which is neutral and non-polar, with leucine, which is neutral and non-polar, at codon 898 of the TERT protein (p.Val898Leu).

NM_198253.3(TERT):c.2692G>C (p.Val898Leu)

Gene: TERT (telomerase reverse transcriptase; minus strand). Cytogenetic location: 5p15.33.
Variant type: single nucleotide variant.
Coding change: c.2692G>C on transcript NM_198253.3 (MANE Select); coding-DNA position 2692, G replaced by C.
Protein change: p.Val898Leu; replaces valine 898 with leucine.
Molecular consequence: missense variant. On other transcripts: intron variant (1).
Genome position (GRCh38, 1-based): chr5:1,264,555, C>G on the plus strand (G>C on the coding strand, the complement: TERT is on the minus strand). VCF-style: chr5-1264555-C-G. GRCh37 (hg19) VCF-style: chr5-1264670-C-G.
Other names: c.2692G>C, p.Val898Leu (NM_003219.1); c.2654+1909G>C (NM_001193376.3); short protein forms V898L.
Identifiers: ClinVar variation 2945163 (VCV002945163.3), dbSNP rs2478153891, ClinGen allele CA359072247.